The following is an entry in ClinVar:

ClinVar aggregate classification (germline): Pathogenic. Review status: criteria provided, multiple submitters, no conflicts (2 of 4 stars). 2 submissions from 2 submitters: Pathogenic (2). Last evaluated 2024-01-18.

Conditions:
Familial cancer of breast. Also called: BREAST CANCER, FAMILIAL; Hereditary breast cancer; hereditary breast carcinoma. Identifiers: Orphanet 227535, MedGen C0346153, MONDO:0016419, OMIM 114480. Disease mechanism: loss of function.
Hereditary cancer-predisposing syndrome. Also called: Neoplastic Syndromes, Hereditary; Tumor predisposition; Hereditary Cancer Syndrome; Hereditary neoplastic syndrome. Identifiers: Orphanet 140162, MedGen C0027672, MeSH D009386, MONDO:0015356.

Submissions (2):

Myriad Genetics, Inc.
Classification: Pathogenic for Familial cancer of breast. Last evaluated: 2024-01-18. Review status: criteria provided, single submitter. Criteria: Myriad Autosomal Dominant, Autosomal Recessive and X-Linked Classification Criteria (2023). Collection method: clinical testing. Allele origin: unknown.
Comment: This variant is considered pathogenic. This variant creates a frameshift predicted to result in premature protein truncation.

Ambry Genetics
Classification: Pathogenic for Hereditary cancer-predisposing syndrome. Last evaluated: 2017-01-30. Review status: criteria provided, single submitter. Criteria: Ambry Variant Classification Scheme 2023. Collection method: clinical testing. Allele origin: germline.
Comment: The c.2965delA pathogenic mutation, located in coding exon 19 of the ATM gene, results from a deletion of one nucleotide at nucleotide position 2965, causing a translational frameshift with a predicted alternate stop codon (p.T989Lfs*3). This alteration is expected to result in loss of function by premature protein truncation or nonsense-mediated mRNA decay. As such, this alteration is interpreted as a disease-causing mutation.

NM_000051.4(ATM):c.2965del (p.Thr989fs)

Gene: ATM (ATM serine/threonine kinase; plus strand). Cytogenetic location: 11q22.3.
Variant type: Deletion.
Coding change: c.2965del on transcript NM_000051.4 (MANE Select); coding-DNA position 2965, one base deleted (A; older notation c.2965delA).
Protein change: p.Thr989fs; shifts the reading frame from threonine 989.
Molecular consequence: frameshift variant.
Genome position (GRCh38, 1-based): chr11:108,271,294, A deleted; the last of 4 consecutive A bases (chr11:108,271,291-108,271,294); deleting any one gives the same sequence. VCF-style (leftmost placement, unchanged base first): chr11-108271290-TA-T. GRCh37 (hg19) VCF-style: chr11-108142017-TA-T.
Other names: c.2965del, p.Thr989fs (NM_001351834.2); c.2965delA (NM_000051.3); short protein forms T989fs.
Identifiers: ClinVar variation 187188 (VCV000187188.5), dbSNP rs786203539, ClinGen allele CA196957.